The following is an entry in ClinVar:

NM_001042492.3(NF1):c.6703A>T (p.Arg2235Ter)

Gene: NF1 (neurofibromin 1; plus strand). Cytogenetic location: 17q11.2.
Variant type: single nucleotide variant.
Coding change: c.6703A>T on transcript NM_001042492.3 (MANE Select); coding-DNA position 6703, A replaced by T.
Protein change: p.Arg2235Ter; replaces arginine 2235 with a stop codon.
Molecular consequence: nonsense.
Genome position (GRCh38, 1-based): chr17:31,337,879, A>T. VCF-style: chr17-31337879-A-T. GRCh37 (hg19) VCF-style: chr17-29664897-A-T.
Other names: c.6640A>T, p.Arg2214Ter (NM_000267.4); short protein forms R2214*, R2235*.
Identifiers: ClinVar variation 1387126 (VCV001387126.7), dbSNP rs2151557558, ClinGen allele CA399013960.

ClinVar aggregate classification (germline): Pathogenic. Review status: criteria provided, multiple submitters, no conflicts (2 of 4 stars). 2 submissions from 2 submitters: Pathogenic (2). Last evaluated 2024-05-01.

Conditions:
NF1-related disorder. Also called: NF1-related condition. Identifiers: MedGen CN379171.
Neurofibromatosis, type 1 (NF1). Also called: VON RECKLINGHAUSEN DISEASE; Neurofibromatosis, type I; NEUROFIBROMATOSIS, TYPE I, SOMATIC; Peripheral type neurofibromatosis. Identifiers: Orphanet 636, MedGen C0027831, MONDO:0018975, OMIM 162200. Disease mechanism: loss of function.

Submissions (2):

Swedish National ChiCaP Initative, Genomic Medicine Sweden
Classification: Pathogenic for NF1-related disorder. Last evaluated: 2024-05-01. Review status: criteria provided, single submitter. Criteria: ACMG Guidelines, 2015. Collection method: clinical testing. Allele origin: germline. Affected: yes.

Labcorp Genetics (formerly Invitae), Labcorp
Classification: Pathogenic for Neurofibromatosis, type 1. Last evaluated: 2021-09-14. Review status: criteria provided, single submitter. Criteria: Invitae Variant Classification Sherloc (09022015). Collection method: clinical testing. Allele origin: germline.
Comment: This sequence change creates a premature translational stop signal (p.Arg2214*) in the NF1 gene. It is expected to result in an absent or disrupted protein product. Loss-of-function variants in NF1 are known to be pathogenic (PMID: 10712197, 23913538). This variant is not present in population databases (ExAC no frequency). This premature translational stop signal has been observed in individual(s) with neurofibromatosis type 1 (PMID: 10543400, 29673180). For these reasons, this variant has been classified as Pathogenic.

Literature cited by the submitters: PubMed 10712197 (cited by Labcorp Genetics (formerly Invitae), Labcorp); PubMed 23913538 (cited by Labcorp Genetics (formerly Invitae), Labcorp); PubMed 10543400 (cited by Labcorp Genetics (formerly Invitae), Labcorp); PubMed 29673180 (cited by Labcorp Genetics (formerly Invitae), Labcorp).